The following is an entry in ClinVar:

NM_006269.2(RP1):c.4492G>A (p.Val1498Ile)

Gene: RP1 (RP1 axonemal microtubule associated; plus strand). Cytogenetic location: 8q12.1.
Variant type: single nucleotide variant.
Coding change: c.4492G>A on transcript NM_006269.2 (MANE Select); coding-DNA position 4492, G replaced by A.
Protein change: p.Val1498Ile; replaces valine 1498 with isoleucine.
Molecular consequence: missense variant. On other transcripts: intron variant (1).
Genome position (GRCh38, 1-based): chr8:54,628,374, G>A. VCF-style: chr8-54628374-G-A. GRCh37 (hg19) VCF-style: chr8-55540934-G-A.
Other names: c.787+6086G>A (NM_001375654.1); short protein forms V1498I.
Identifiers: ClinVar variation 1437269 (VCV001437269.6), dbSNP rs1806142118, ClinGen allele CA370982428.

ClinVar aggregate classification (germline): Uncertain significance (1 of 4 stars; one submission).

Allele frequency attached by ClinVar (database versions not stated): gnomAD exomes below 0.00001; TOPMed 0.00001.
gnomAD v4.1: 2 of 1,613,614 alleles (0.00012%); highest among the groups gnomAD compares: Non-Finnish European, 0.000085%; no homozygotes.

Submission:

Labcorp Genetics (formerly Invitae), Labcorp
Classification: Uncertain significance. Last evaluated: 2021-09-09. Review status: criteria provided, single submitter. Criteria: Invitae Variant Classification Sherloc (09022015). Collection method: clinical testing. Allele origin: germline.
Comment: This variant is not present in population databases (ExAC no frequency). This variant has not been reported in the literature in individuals affected with RP1-related conditions. Algorithms developed to predict the effect of missense changes on protein structure and function output the following: SIFT: "Tolerated"; PolyPhen-2: "Benign"; Align-GVGD: "Class C0". The isoleucine amino acid residue is found in multiple mammalian species, which suggests that this missense change does not adversely affect protein function. This sequence change replaces valine with isoleucine at codon 1498 of the RP1 protein (p.Val1498Ile). The valine residue is weakly conserved and there is a small physicochemical difference between valine and isoleucine. In summary, the available evidence is currently insufficient to determine the role of this variant in disease. Therefore, it has been classified as a Variant of Uncertain Significance.